The following is an entry in ClinVar:

ClinVar aggregate classification (germline): Likely benign. Review status: criteria provided, multiple submitters, no conflicts (2 of 4 stars). 4 submissions from 4 submitters: Likely benign (4). Last evaluated 2025-10-31.

Conditions:
Long QT syndrome (LQTS). Identifiers: MedGen C0023976, MeSH D008133, MONDO:0002442. Disease mechanism: loss of function. Inheritance: Various modes of inheritance.
Cardiovascular phenotype. Identifiers: MedGen CN230736.

Allele frequency attached by ClinVar (database versions not stated): ExAC 0.00002; gnomAD exomes 0.00002; TOPMed 0.00003; gnomAD 0.00005; ESP Exome Variant Server 0.00008.
gnomAD v4.1: 85 of 1,613,900 alleles (0.0053%); highest among the groups gnomAD compares: Middle Eastern, 0.016%; no homozygotes.

Submissions (4):

Labcorp Genetics (formerly Invitae), Labcorp
Classification: Likely benign for Long QT syndrome. Last evaluated: 2025-10-31. Review status: criteria provided, single submitter. Criteria: Invitae Variant Classification Sherloc (09022015). Collection method: clinical testing. Allele origin: germline.

CeGaT Center for Human Genetics Tuebingen
Classification: Likely benign. Last evaluated: 2023-07-01. Review status: criteria provided, single submitter. Criteria: CeGaT Center For Human Genetics Tuebingen Variant Classification Criteria Version 2. Collection method: clinical testing. Allele origin: germline. Affected: yes. Observed: 2 variant alleles.
Comment: CACNA1C: BP4, BP7

Women's Health and Genetics/Laboratory Corporation of America, LabCorp
Classification: Likely benign. Last evaluated: 2019-08-28. Review status: criteria provided, single submitter. Criteria: LabCorp Variant Classification Summary - May 2015. Collection method: clinical testing. Allele origin: germline.

Ambry Genetics
Classification: Likely benign for Cardiovascular phenotype. Last evaluated: 2018-05-02. Review status: criteria provided, single submitter. Criteria: Ambry Variant Classification Scheme 2023. Collection method: clinical testing. Allele origin: germline.

NM_000719.7(CACNA1C):c.990G>A (p.Thr330=)

Gene: CACNA1C (calcium voltage-gated channel subunit alpha1 C; plus strand). Cytogenetic location: 12p13.33.
Variant type: single nucleotide variant.
Coding change: c.990G>A on transcript NM_000719.7 (MANE Select); coding-DNA position 990, G replaced by A.
Protein change: p.Thr330=; no amino-acid change (threonine 330 retained).
Molecular consequence: synonymous variant.
Genome position (GRCh38, 1-based): chr12:2,493,263, G>A. VCF-style: chr12-2493263-G-A. GRCh37 (hg19) VCF-style: chr12-2602429-G-A.
Other names: c.990G>A, p.Thr330= (NM_001129827.2, NM_001129829.2, NM_001129830.3 and 18 more transcripts); c.981G>A, p.Thr327= (NM_001129844.2).
Identifiers: ClinVar variation 632736 (VCV000632736.38), dbSNP rs371837699, ClinGen allele CA6388589.